The following is an entry in ClinVar:

ClinVar aggregate classification (germline): Uncertain significance (1 of 4 stars; one submission).

Conditions:
BAP1-related tumor predisposition syndrome (TPDS1). Also called: Tumor susceptibility linked to germline BAP1 mutations; BAP1 tumor predisposition syndrome; COMMON Syndrome; TUMOR PREDISPOSITION SYNDROME 1. Identifiers: Orphanet 289539, MedGen C3280492, MONDO:0013692, OMIM 614327.

Submission:

Labcorp Genetics (formerly Invitae), Labcorp
Classification: Uncertain significance for BAP1-related tumor predisposition syndrome. Last evaluated: 2023-12-08. Review status: criteria provided, single submitter. Criteria: Invitae Variant Classification Sherloc (09022015). Collection method: clinical testing. Allele origin: germline.
Comment: This variant, c.236_238del, results in the deletion of 1 amino acid(s) of the BAP1 protein (p.Asn79del), but otherwise preserves the integrity of the reading frame. This variant is not present in population databases (gnomAD no frequency). This variant has not been reported in the literature in individuals affected with BAP1-related conditions. ClinVar contains an entry for this variant (Variation ID: 1019170). Experimental studies and prediction algorithms are not available or were not evaluated, and the functional significance of this variant is currently unknown. In summary, the available evidence is currently insufficient to determine the role of this variant in disease. Therefore, it has been classified as a Variant of Uncertain Significance.

NM_004656.4(BAP1):c.236_238del (p.Asn79del)

Gene: BAP1 (BRCA1 associated deubiquitinase 1; minus strand). Cytogenetic location: 3p21.1.
Variant type: Deletion.
Coding change: c.236_238del on transcript NM_004656.4 (MANE Select); coding-DNA positions 236 to 238, 3 bases deleted (ACA; older notation c.236_238delACA).
Protein change: p.Asn79del; deletes asparagine 79.
Molecular consequence: inframe deletion.
Genome position (GRCh38, 1-based): chr3:52,408,491-52,408,493, TGT deleted on the plus strand (ACA on the coding strand, the reverse complement: BAP1 is on the minus strand); deleting any 3 consecutive bases within chr3:52,408,491-52,408,494 gives the same sequence; the c. name uses the placement nearest the transcript's 3' end. VCF-style (leftmost placement, unchanged base first): chr3-52408490-ATGT-A. GRCh37 (hg19) VCF-style: chr3-52442506-ATGT-A.
Other names: short protein forms N79del.
Identifiers: ClinVar variation 1019170 (VCV001019170.5), dbSNP rs1705235538, ClinGen allele CA1364844576.